The following is an entry in ClinVar:

ClinVar aggregate classification (germline): Pathogenic (1 of 4 stars; one submission).

Submission:

GeneDx
Classification: Pathogenic. Last evaluated: 2026-01-16. Review status: criteria provided, single submitter. Criteria: GeneDx Variant Classification Process June 2021. Collection method: clinical testing. Allele origin: germline. Affected: yes.
Comment: Nonsense variant predicted to result in protein truncation or nonsense mediated decay in a gene for which loss of function is a known mechanism of disease; Not observed at significant frequency in large population cohorts (gnomAD); Has not been previously published as pathogenic or benign to our knowledge

NM_004463.3(FGD1):c.278_285del (p.Ser92_Tyr93insTer)

Gene: FGD1 (FYVE, RhoGEF and PH domain containing 1; minus strand). Cytogenetic location: Xp11.22.
Variant type: Deletion.
Coding change: c.278_285del on transcript NM_004463.3 (MANE Select); coding-DNA positions 278 to 285, 8 bases deleted (ACCACCTG; older notation c.278_285delACCACCTG).
Protein change: p.Ser92_Tyr93insTer.
Molecular consequence: nonsense.
Genome position (GRCh38, 1-based): chrX:54,495,148-54,495,155, CAGGTGGT deleted on the plus strand (ACCACCTG on the coding strand, the reverse complement: FGD1 is on the minus strand). VCF-style (leftmost placement, unchanged base first): chrX-54495147-CCAGGTGGT-C. GRCh37 (hg19) VCF-style: chrX-54521580-CCAGGTGGT-C.
Identifiers: ClinVar variation 1327174 (VCV001327174.3), dbSNP rs2147448673, ClinGen allele CA2573055370.